The following is an entry in ClinVar:

ClinVar aggregate classification (germline): Uncertain significance (1 of 4 stars; one submission).

Conditions:
SCLT1-related disorder. Also called: SCLT1-related condition.

gnomAD v4.1: 1 of 1,609,656 alleles (0.000062%); highest among the groups gnomAD compares: Non-Finnish European, 0.000085%; no homozygotes.

Submission:

PreventionGenetics, part of Exact Sciences
Classification: Uncertain significance for SCLT1-related condition. Last evaluated: 2025-06-12. Review status: criteria provided, single submitter. Criteria: ACMG Guidelines, 2015. Collection method: clinical testing. Allele origin: germline.
Comment: The SCLT1 c.31C>T variant is predicted to result in premature protein termination (p.Gln11*). To our knowledge, this variant has not been reported in the literature or in a large population database (gnomAD), indicating this variant is rare. Although we suspect that this variant may be pathogenic, at this time, the clinical significance of this variant is uncertain due to the absence of conclusive functional and genetic evidence.

NM_144643.4(SCLT1):c.31C>T (p.Gln11Ter)

Gene: SCLT1 (sodium channel and clathrin linker 1; minus strand). Cytogenetic location: 4q28.2.
Variant type: single nucleotide variant.
Coding change: c.31C>T on transcript NM_144643.4 (MANE Select); coding-DNA position 31, C replaced by T.
Protein change: p.Gln11Ter; replaces glutamine 11 with a stop codon.
Molecular consequence: nonsense.
Genome position (GRCh38, 1-based): chr4:129,093,073, G>A on the plus strand (C>T on the coding strand, the complement: SCLT1 is on the minus strand). VCF-style: chr4-129093073-G-A. GRCh37 (hg19) VCF-style: chr4-130014228-G-A.
Other names: c.31C>T, p.Gln11Ter (NM_001300897.2, NM_001300898.2, NM_001410807.1); short protein forms Q11*.
Identifiers: ClinVar variation 5001778 (VCV005001778.1).
Genomic context (GRCh38, chr4:129,093,073, plus strand): 5'-TCAACGACGACGATATTAAACATTGTATATGAAGTCTCAAAAAAACATGGAGCTTACTTT[G>A]CTCTCTCAGAAAGTCGATTTCTGCAGCCATTTCGATACAATTTTAGTTTAGAGCTTTCAC-3'